The following is an entry in ClinVar:

NM_000901.5(NR3C2):c.1625A>T (p.Gln542Leu)

Gene: NR3C2 (nuclear receptor subfamily 3 group C member 2; minus strand). Cytogenetic location: 4q31.23.
Variant type: single nucleotide variant.
Coding change: c.1625A>T on transcript NM_000901.5 (MANE Select); coding-DNA position 1625, A replaced by T.
Protein change: p.Gln542Leu; replaces glutamine 542 with leucine.
Molecular consequence: missense variant. On other transcripts: non-coding transcript variant (1).
Genome position (GRCh38, 1-based): chr4:148,435,236, T>A on the plus strand (A>T on the coding strand, the complement: NR3C2 is on the minus strand). VCF-style: chr4-148435236-T-A. GRCh37 (hg19) VCF-style: chr4-149356388-T-A.
Other names: c.1625A>T, p.Gln542Leu (NM_001166104.2, NM_001354819.1, NM_001437654.1 and 4 more transcripts); short protein forms Q542L.
Identifiers: ClinVar variation 4749900 (VCV004749900.1).
Genomic context (GRCh38, chr4:148,435,236, plus strand): 5'-GATTTCCATGACTCCACTAAAGTATTGACAGGAGGAAAGGAACTCAGGTGTTGGAAAGAT[T>A]GGTCTCTAGCCGATCGTGATAAAGATATTGTACCTTGAGCACCAATCCTGTAGTGGAAGG-3'
Protein context (NP_000892.2, residues 532-552): TISLSRSARD[Gln542Leu]SFQHLSSFPP

ClinVar aggregate classification (germline): Uncertain significance (1 of 4 stars; one submission).

gnomAD v4.1: 4 of 1,614,086 alleles (0.00025%); highest among the groups gnomAD compares: Admixed American, 0.0067%; no homozygotes.

Submission:

Labcorp Genetics (formerly Invitae), Labcorp
Classification: Uncertain significance. Last evaluated: 2025-11-14. Review status: criteria provided, single submitter. Criteria: Invitae Variant Classification Sherloc (09022015). Collection method: clinical testing. Allele origin: germline.
Comment: This sequence change replaces glutamine, which is neutral and polar, with leucine, which is neutral and non-polar, at codon 542 of the NR3C2 protein (p.Gln542Leu). This variant is present in population databases (no rsID available, gnomAD 0.1%). This variant has not been reported in the literature in individuals affected with NR3C2-related conditions. Invitae Evidence Modeling of protein sequence and biophysical properties (such as structural, functional, and spatial information, amino acid conservation, physicochemical variation, residue mobility, and thermodynamic stability) indicates that this missense variant is not expected to disrupt NR3C2 protein function with a negative predictive value of 80%. In summary, the available evidence is currently insufficient to determine the role of this variant in disease. Therefore, it has been classified as a Variant of Uncertain Significance.